The following is an entry in ClinVar:

ClinVar aggregate classification (germline): Likely pathogenic. Review status: reviewed by expert panel (3 of 4 stars). 3 submissions from 3 submitters: Likely pathogenic (1). 2 of the submissions do not count toward it. Last evaluated 2023-10-13.

Conditions:
Phenylketonuria (PKU). Also called: Phenylketonuria (PKU); FOLLING DISEASE; OLIGOPHRENIA PHENYLPYRUVICA; Phenylketonurias. Identifiers: Orphanet 716, MedGen C0031485, MONDO:0009861, OMIM 261600. Disease mechanism: loss of function.

Submissions (3):

ClinGen PAH Variant Curation Expert Panel
Classification: Likely pathogenic for Phenylketonuria. Last evaluated: 2023-10-13. Review status: reviewed by expert panel. Criteria: ClinGen PAH ACMG Specifications v1. Collection method: curation. Allele origin: germline. Inheritance: Autosomal recessive inheritance.
Comment: The c.512G>C (p.Gly171Ala) variant in PAH has been reported in multiple individuals with PAH deficiency (BH4 deficiency excluded). (PP4_Moderate; PMID: 7833954, 9634518); detected with IVSl0nt546 (aka c.1066-11G>A PMID: 7833954). This variant is absent in population databases (PM2_supporting). This variant produces 27% enzyme activity as compared to wild type PAH (PMID: 10479481) Computational evidence supports a damaging effect (REVEL=0.947). In summary, this variant meets criteria to be classified as likely pathogenic for PAH. PAH-specific ACMG/AMP criteria applied: PS3_supporting, PP4_Moderate, PM2_supporting, PP3_moderatePM3_supporting.

Baylor Genetics
Classification: Likely pathogenic for Phenylketonuria. Last evaluated: 2022-01-03. Review status: criteria provided, single submitter. Criteria: ACMG Guidelines, 2015. Collection method: clinical testing. Allele origin: unknown. Not counted in ClinVar's aggregate classification.

DeBelle Laboratory for Biochemical Genetics, MUHC/MCH RESEARCH INSTITUTE
No classification provided. Review status: no classification provided. Collection method: not provided. Allele origin: not provided. Not counted in ClinVar's aggregate classification.

Literature cited by the submitters: PubMed 29653233 (cited by ClinGen PAH Variant Curation Expert Panel); PubMed 10479481 (cited by ClinGen PAH Variant Curation Expert Panel); PubMed 7833954 (cited by ClinGen PAH Variant Curation Expert Panel); PubMed 9634518 (cited by ClinGen PAH Variant Curation Expert Panel).

NM_000277.3(PAH):c.512G>C (p.Gly171Ala)

Gene: PAH (phenylalanine hydroxylase; minus strand). Cytogenetic location: 12q23.2.
Variant type: single nucleotide variant.
Coding change: c.512G>C on transcript NM_000277.3 (MANE Select); coding-DNA position 512, G replaced by C.
Protein change: p.Gly171Ala; replaces glycine 171 with alanine.
Molecular consequence: missense variant.
Genome position (GRCh38, 1-based): chr12:102,855,330, C>G on the plus strand (G>C on the coding strand, the complement: PAH is on the minus strand). VCF-style: chr12-102855330-C-G. GRCh37 (hg19) VCF-style: chr12-103249108-C-G.
Other names: NM_000277.2(PAH):c.512G>C; c.512G>C, p.Gly171Ala (NM_001354304.2); short protein forms G171A.
Identifiers: ClinVar variation 102717 (VCV000102717.2), dbSNP rs199475596, ClinGen allele CA229599.